The following is an entry in ClinVar:

NM_024422.6(DSC2):c.1728C>T (p.Phe576=)

Gene: DSC2 (desmocollin 2; minus strand). Cytogenetic location: 18q12.1.
Variant type: single nucleotide variant.
Coding change: c.1728C>T on transcript NM_024422.6 (MANE Select); coding-DNA position 1728, C replaced by T.
Protein change: p.Phe576=; no amino-acid change (phenylalanine 576 retained).
Molecular consequence: synonymous variant.
Genome position (GRCh38, 1-based): chr18:31,074,843, G>A on the plus strand (C>T on the coding strand, the complement: DSC2 is on the minus strand). VCF-style: chr18-31074843-G-A. GRCh37 (hg19) VCF-style: chr18-28654809-G-A.
Other names: c.1728C>T, p.Phe576= (NM_004949.5).
Identifiers: ClinVar variation 1667743 (VCV001667743.9), dbSNP rs1458351294, ClinGen allele CA503385173.

ClinVar aggregate classification (germline): Likely benign. Review status: criteria provided, multiple submitters, no conflicts (2 of 4 stars). 2 submissions from 2 submitters: Likely benign (2). Last evaluated 2024-08-13.

Conditions:
Arrhythmogenic right ventricular dysplasia 11. Also called: Arrhythmogenic Right Ventricular Dysplasia/Cardiomyopathy11; ARRHYTHMOGENIC RIGHT VENTRICULAR DYSPLASIA, FAMILIAL, 11; Arrhythmogenic right ventricular dysplasia 11 with mild palmoplantar keratoderma and woolly hair. Identifiers: MedGen C1864850, MONDO:0012506, OMIM 610476.
Familial isolated arrhythmogenic right ventricular dysplasia. Identifiers: Orphanet 217656, MedGen C4274968, MONDO:0016342.

Allele frequency attached by ClinVar (database versions not stated): TOPMed 0.00001.
gnomAD v4.1: 1 of 1,613,948 alleles (0.000062%); highest among the groups gnomAD compares: East Asian, 0.0022%; no homozygotes.

Submissions (2):

All of Us Research Program, National Institutes of Health
Classification: Likely benign for Familial isolated arrhythmogenic right ventricular dysplasia. Last evaluated: 2024-08-13. Review status: criteria provided, single submitter. Criteria: ACMG Guidelines, 2015. Collection method: clinical testing. Allele origin: germline. Inheritance: Autosomal dominant inheritance. Observed: 1 variant allele, 1 heterozygote.
Comment: This study involves interpretation of variants in research participants for the purpose of population health screening. Participant phenotype was not available at the time of variant classification. Additional details can be found in publication PMID: 35346344, PMCID: PMC8962531

Labcorp Genetics (formerly Invitae), Labcorp
Classification: Likely benign for Arrhythmogenic right ventricular dysplasia 11. Last evaluated: 2024-08-13. Review status: criteria provided, single submitter. Criteria: Invitae Variant Classification Sherloc (09022015). Collection method: clinical testing. Allele origin: germline.